The following is an entry in ClinVar:

NM_000553.6(WRN):c.523T>C (p.Trp175Arg)

Gene: WRN (WRN RecQ like helicase; plus strand). Cytogenetic location: 8p12.
Variant type: single nucleotide variant.
Coding change: c.523T>C on transcript NM_000553.6 (MANE Select); coding-DNA position 523, T replaced by C.
Protein change: p.Trp175Arg; replaces tryptophan 175 with arginine.
Molecular consequence: missense variant.
Genome position (GRCh38, 1-based): chr8:31,067,051, T>C. VCF-style: chr8-31067051-T-C. GRCh37 (hg19) VCF-style: chr8-30924567-T-C.
Other names: short protein forms W175R.
Identifiers: ClinVar variation 458488 (VCV000458488.7), dbSNP rs1554519269, ClinGen allele CA370915890.

ClinVar aggregate classification (germline): Uncertain significance (1 of 4 stars; one submission).

Conditions:
Werner syndrome (WRN). Identifiers: Orphanet 902, MedGen C0043119, MONDO:0010196, OMIM 277700.

Submission:

Labcorp Genetics (formerly Invitae), Labcorp
Classification: Uncertain significance for Werner syndrome. Last evaluated: 2022-07-11. Review status: criteria provided, single submitter. Criteria: Invitae Variant Classification Sherloc (09022015). Collection method: clinical testing. Allele origin: germline.
Comment: In summary, the available evidence is currently insufficient to determine the role of this variant in disease. Therefore, it has been classified as a Variant of Uncertain Significance. Algorithms developed to predict the effect of missense changes on protein structure and function are either unavailable or do not agree on the potential impact of this missense change (SIFT: "Not Available"; PolyPhen-2: "Probably Damaging"; Align-GVGD: "Not Available"). ClinVar contains an entry for this variant (Variation ID: 458488). This variant has not been reported in the literature in individuals affected with WRN-related conditions. This variant is not present in population databases (gnomAD no frequency). This sequence change replaces tryptophan, which is neutral and slightly polar, with arginine, which is basic and polar, at codon 175 of the WRN protein (p.Trp175Arg).